The following is an entry in ClinVar:

ClinVar aggregate classification (germline): Uncertain significance. Review status: criteria provided, multiple submitters, no conflicts (2 of 4 stars). 2 submissions from 2 submitters: Uncertain significance (2). Last evaluated 2026-07-10.

Conditions:
Dilated cardiomyopathy 1W (CMD1W). Identifiers: Orphanet 154, MedGen C1969639, MONDO:0012667, OMIM 611407.
Cardiovascular phenotype. Identifiers: MedGen CN230736.

gnomAD v4.1: 1 of 1,614,150 alleles (0.000062%); highest among the groups gnomAD compares: Non-Finnish European, 0.000085%; no homozygotes.

Submissions (2):

Ambry Genetics
Classification: Uncertain significance for Cardiovascular phenotype. Last evaluated: 2026-07-10. Review status: criteria provided, single submitter. Criteria: Ambry Variant Classification Scheme 2023. Collection method: clinical testing. Allele origin: germline.
Comment: The p.S97L variant (also known as c.290C>T), located in coding exon 3 of the VCL gene, results from a C to T substitution at nucleotide position 290. The serine at codon 97 is replaced by leucine, an amino acid with dissimilar properties. This amino acid position is conserved. In addition, this alteration is predicted to be tolerated by in silico analysis. Based on the available evidence, the clinical significance of this variant remains unclear.

Labcorp Genetics (formerly Invitae), Labcorp
Classification: Uncertain significance for Dilated cardiomyopathy 1W. Last evaluated: 2024-04-24. Review status: criteria provided, single submitter. Criteria: Invitae Variant Classification Sherloc (09022015). Collection method: clinical testing. Allele origin: germline.
Comment: This sequence change replaces serine, which is neutral and polar, with leucine, which is neutral and non-polar, at codon 97 of the VCL protein (p.Ser97Leu). This variant is not present in population databases (gnomAD no frequency). This variant has not been reported in the literature in individuals affected with VCL-related conditions. An algorithm developed to predict the effect of missense changes on protein structure and function (PolyPhen-2) suggests that this variant is likely to be tolerated. In summary, the available evidence is currently insufficient to determine the role of this variant in disease. Therefore, it has been classified as a Variant of Uncertain Significance.

NM_014000.3(VCL):c.290C>T (p.Ser97Leu)

Gene: VCL (vinculin; plus strand). Cytogenetic location: 10q22.2.
Variant type: single nucleotide variant.
Coding change: c.290C>T on transcript NM_014000.3 (MANE Select); coding-DNA position 290, C replaced by T.
Protein change: p.Ser97Leu; replaces serine 97 with leucine.
Molecular consequence: missense variant.
Genome position (GRCh38, 1-based): chr10:74,070,720, C>T. VCF-style: chr10-74070720-C-T. GRCh37 (hg19) VCF-style: chr10-75830478-C-T.
Other names: c.290C>T, p.Ser97Leu (NM_003373.4); short protein forms S97L.
Identifiers: ClinVar variation 3650707 (VCV003650707.4).